The following is an entry in ClinVar:

NM_000532.5(PCCB):c.174_175delinsTA (p.Gln58_His59delinsHisAsn)

Gene: PCCB (propionyl-CoA carboxylase subunit beta; plus strand). Cytogenetic location: 3q22.3.
Variant type: Indel.
Coding change: c.174_175delinsTA on transcript NM_000532.5 (MANE Select); coding-DNA positions 174 to 175, GC replaced by TA.
Protein change: p.Gln58_His59delinsHisAsn.
Molecular consequence: missense variant.
Genome position (GRCh38, 1-based): chr3:136,250,549-136,250,550, GC replaced by TA. VCF-style: chr3-136250549-GC-TA. GRCh37 (hg19) VCF-style: chr3-135969391-GC-TA.
Other names: c.174_175delinsTA, p.Gln58_His59delinsHisAsn (NM_001178014.2).
Identifiers: ClinVar variation 1390253 (VCV001390253.6), dbSNP rs2108128131, ClinGen allele CA2573136600.
Genomic context (GRCh38, chr3:136,250,549, plus strand): 5'-CATCGAAAACAAGCGCCGGACCGCGCTGCTGGGAGGGGGCCAACGCCGTATTGACGCGCA[GC>TA]ACAAGCGAGTGAGTCCTGAGGGGCCTAAGTGAGTCCCGCCCCTGGCGTCCGCGACCTATC-3'

ClinVar aggregate classification (germline): Pathogenic (1 of 4 stars; one submission).

Conditions:
Propionic acidemia (PROP). Also called: GLYCINEMIA, KETOTIC; HYPERGLYCINEMIA WITH KETOACIDOSIS AND LEUKOPENIA; KETOTIC HYPERGLYCINEMIA. Identifiers: Orphanet 35, MedGen C0268579, MONDO:0011628, OMIM 606054, HP:0003571.

Submission:

Labcorp Genetics (formerly Invitae), Labcorp
Classification: Pathogenic for Propionic acidemia. Last evaluated: 2023-12-17. Review status: criteria provided, single submitter. Criteria: Invitae Variant Classification Sherloc (09022015). Collection method: clinical testing. Allele origin: germline.
Comment: This variant, c.174_175delinsTA, is a complex sequence change that results in the deletion of 2 and insertion of 2 amino acid(s) in the PCCB protein (p.Gln58_His59delinsHisAsn). Information on the frequency of this variant in the gnomAD database is not available, as this variant may be reported differently in the database. This variant has not been reported in the literature in individuals affected with PCCB-related conditions. ClinVar contains an entry for this variant (Variation ID: 1390253). Experimental studies and prediction algorithms are not available or were not evaluated, and the functional significance of this variant is currently unknown. This variant disrupts a region of the PCCB protein in which other variant(s) (p.His59Gln) have been determined to be pathogenic (Invitae). This suggests that this is a clinically significant region of the protein, and that variants that disrupt it are likely to be disease-causing. For these reasons, this variant has been classified as Pathogenic.